The following is an entry in ClinVar:

NM_001134831.2(AHI1):c.53A>G (p.Glu18Gly)

Gene: AHI1 (Abelson helper integration site 1; minus strand). Cytogenetic location: 6q23.3.
Variant type: single nucleotide variant.
Coding change: c.53A>G on transcript NM_001134831.2 (MANE Select); coding-DNA position 53, A replaced by G.
Protein change: p.Glu18Gly; replaces glutamic acid 18 with glycine.
Molecular consequence: missense variant.
Genome position (GRCh38, 1-based): chr6:135,490,705, T>C on the plus strand (A>G on the coding strand, the complement: AHI1 is on the minus strand). VCF-style: chr6-135490705-T-C. GRCh37 (hg19) VCF-style: chr6-135811843-T-C.
Other names: c.53A>G, p.Glu18Gly (NM_001134830.2, NM_001134832.2, NM_001350503.2 and 2 more transcripts); c.53A>G (NM_017651.4); short protein forms E18G.
Identifiers: ClinVar variation 1370976 (VCV001370976.6), dbSNP rs776505818, ClinGen allele CA4012966.
Genomic context (GRCh38, chr6:135,490,705, plus strand): 5'-ACAAGTTTTTTCTTCAGTTTTTTCTTTTCACGCATTAGATCACTGTGGGTCTTAAGCAAT[T>C]CTTCAAAGCGAACTTTGGTTTTTACTTTTGCTTCACTCTCAGCTACAAAAGATACAGCCA-3'
Protein context (NP_001128303.1, residues 8-28): AKVKTKVRFE[Glu18Gly]LLKTHSDLMR

ClinVar aggregate classification (germline): Uncertain significance. Review status: criteria provided, multiple submitters, no conflicts (2 of 4 stars). 2 submissions from 2 submitters: Uncertain significance (2). Last evaluated 2024-10-25.

Conditions:
Joubert syndrome. Also called: CEREBELLOPARENCHYMAL DISORDER IV; JOUBERT-BOLTSHAUSER SYNDROME; Familial aplasia of the vermis. Identifiers: Orphanet 475, MedGen C5979921, MONDO:0018772.
Joubert syndrome 3 (JBTS3). Also called: AHI1-related Ciliopathy. Identifiers: Orphanet 220493, MedGen C1837713, MONDO:0012078, OMIM 608629.

Allele frequency attached by ClinVar (database versions not stated): ExAC 0.00001; gnomAD exomes 0.00001.
gnomAD v4.1: 20 of 1,613,202 alleles (0.0012%); highest among the groups gnomAD compares: Middle Eastern, 0.05%; no homozygotes.

Submissions (2):

Labcorp Genetics (formerly Invitae), Labcorp
Classification: Uncertain significance for Joubert syndrome. Last evaluated: 2024-10-25. Review status: criteria provided, single submitter. Criteria: Invitae Variant Classification Sherloc (09022015). Collection method: clinical testing. Allele origin: germline.
Comment: This sequence change replaces glutamic acid, which is acidic and polar, with glycine, which is neutral and non-polar, at codon 18 of the AHI1 protein (p.Glu18Gly). This variant is present in population databases (rs776505818, gnomAD 0.003%). This variant has not been reported in the literature in individuals affected with AHI1-related conditions. ClinVar contains an entry for this variant (Variation ID: 1370976). Invitae Evidence Modeling of protein sequence and biophysical properties (such as structural, functional, and spatial information, amino acid conservation, physicochemical variation, residue mobility, and thermodynamic stability) has been performed for this missense variant. However, the output from this modeling did not meet the statistical confidence thresholds required to predict the impact of this variant on AHI1 protein function. In summary, the available evidence is currently insufficient to determine the role of this variant in disease. Therefore, it has been classified as a Variant of Uncertain Significance.

Fulgent Genetics
Classification: Uncertain significance for Joubert syndrome 3. Last evaluated: 2024-05-16. Review status: criteria provided, single submitter. Criteria: ACMG Guidelines, 2015. Collection method: clinical testing. Allele origin: germline.